The following is an entry in ClinVar:

NM_024867.4(SPEF2):c.4162G>A (p.Val1388Ile)

Gene: SPEF2 (sperm flagellar and cilia associated 2; plus strand). Cytogenetic location: 5p13.2.
Variant type: single nucleotide variant.
Coding change: c.4162G>A on transcript NM_024867.4 (MANE Select); coding-DNA position 4162, G replaced by A.
Protein change: p.Val1388Ile; replaces valine 1388 with isoleucine.
Molecular consequence: missense variant.
Genome position (GRCh38, 1-based): chr5:35,776,340, G>A. VCF-style: chr5-35776340-G-A. GRCh37 (hg19) VCF-style: chr5-35776442-G-A.
Other names: short protein forms V1388I.
Identifiers: ClinVar variation 4535269 (VCV004535269.6).

ClinVar aggregate classification (germline): Uncertain significance (1 of 4 stars; one submission).

Submission:

CeGaT Center for Human Genetics Tuebingen
Classification: Uncertain significance. Last evaluated: 2025-11-01. Review status: criteria provided, single submitter. Criteria: CeGaT Center For Human Genetics Tuebingen Variant Classification Criteria Version 2. Collection method: clinical testing. Allele origin: germline. Affected: yes. Observed: 1 variant allele.
Comment: SPEF2: PM2, BP4